The following is an entry in ClinVar:

NM_002439.5(MSH3):c.2905_2906delinsT (p.Gln969fs)

Gene: MSH3 (mutS homolog 3; plus strand). Cytogenetic location: 5q14.1.
Variant type: Indel.
Coding change: c.2905_2906delinsT on transcript NM_002439.5 (MANE Select); coding-DNA positions 2905 to 2906, CA replaced by T.
Protein change: p.Gln969fs; shifts the reading frame from glutamine 969.
Molecular consequence: frameshift variant.
Genome position (GRCh38, 1-based): chr5:80,854,221-80,854,222, CA replaced by T. VCF-style: chr5-80854221-CA-T. GRCh37 (hg19) VCF-style: chr5-80150040-CA-T.
Other names: short protein forms Q969fs.
Identifiers: ClinVar variation 2451050 (VCV002451050.2), dbSNP rs2478771748, ClinGen allele CA2580073575.

ClinVar aggregate classification (germline): Pathogenic (1 of 4 stars; one submission).

Conditions:
Hereditary cancer-predisposing syndrome. Also called: Neoplastic Syndromes, Hereditary; Tumor predisposition; Hereditary neoplastic syndrome; Hereditary Cancer Syndrome. Identifiers: Orphanet 140162, MedGen C0027672, MeSH D009386, MONDO:0015356.

Submission:

Ambry Genetics
Classification: Pathogenic for Hereditary cancer-predisposing syndrome. Last evaluated: 2022-12-21. Review status: criteria provided, single submitter. Criteria: Ambry Variant Classification Scheme 2023. Collection method: clinical testing. Allele origin: germline.
Comment: The c.2905_2906delCAinsT pathogenic mutation, located in coding exon 21 of the MSH3 gene, results from the deletion of two nucleotides and insertion of one nucleotide causing a translational frameshift with a predicted alternate stop codon (p.Q969Cfs*9). This alteration is expected to result in loss of function by premature protein truncation or nonsense-mediated mRNA decay. As such, this alteration is interpreted as a disease-causing mutation.